The following is an entry in ClinVar:

NM_201384.3(PLEC):c.7998G>A (p.Ala2666=)

Gene: PLEC (plectin; minus strand). Cytogenetic location: 8q24.3.
Variant type: single nucleotide variant.
Coding change: c.7998G>A on transcript NM_201384.3 (MANE Select); coding-DNA position 7998, G replaced by A.
Protein change: p.Ala2666=; no amino-acid change (alanine 2666 retained).
Molecular consequence: synonymous variant.
Genome position (GRCh38, 1-based): chr8:143,921,823, C>T on the plus strand (G>A on the coding strand, the complement: PLEC is on the minus strand). VCF-style: chr8-143921823-C-T. GRCh37 (hg19) VCF-style: chr8-144995991-C-T.
Other names: c.8079G>A, p.Ala2693= (NM_000445.5); c.7956G>A, p.Ala2652= (NM_201378.4); c.7932G>A, p.Ala2644= (NM_201379.3); c.8409G>A, p.Ala2803= (NM_201380.4); c.7902G>A, p.Ala2634= (NM_201381.3); c.7998G>A, p.Ala2666= (NM_201382.4); c.8010G>A, p.Ala2670= (NM_201383.3).
Identifiers: ClinVar variation 539029 (VCV000539029.10), dbSNP rs367665604, ClinGen allele CA4925456.

ClinVar aggregate classification (germline): Likely benign. Review status: criteria provided, multiple submitters, no conflicts (2 of 4 stars). 3 submissions from 3 submitters: Likely benign (3). Last evaluated 2026-08-27.

Conditions:
PLEC-related disorder. Also called: PLEC-related disorders; PLEC-related condition.
Epidermolysis bullosa simplex, Ogna type (EBS5A). Also called: Pidermolysis bullosa simplex 5A, Ogna type; EPIDERMOLYSIS BULLOSA SIMPLEX 5A, OGNA TYPE. Identifiers: Orphanet 79401, MedGen C0432317, MONDO:0007555, OMIM 131950.
Epidermolysis bullosa simplex 5B, with muscular dystrophy (EBS5B). Also called: Epidermolysis bullosa simplex with muscular dystrophy; EPIDERMOLYSIS BULLOSA SIMPLEX AND LIMB-GIRDLE MUSCULAR DYSTROPHY. Identifiers: Orphanet 257, MedGen C2931072, MONDO:0009181, OMIM 226670.
Epidermolysis bullosa simplex with nail dystrophy (EBS5D). Identifiers: MedGen C4225309, MONDO:0014661, OMIM 616487.
Autosomal recessive limb-girdle muscular dystrophy type 2Q (LGMDR17). Also called: MUSCULAR DYSTROPHY, LIMB-GIRDLE, AUTOSOMAL RECESSIVE 17. Identifiers: Orphanet 254361, MedGen C3150989, MONDO:0013390, OMIM 613723.
Epidermolysis bullosa simplex 5C, with pyloric atresia (EBS5C). Also called: PLEC-Related Epidermolysis Bullosa with Pyloric Atresia; Epidermolysis bullosa simplex with pyloric atresia; PLEC1-Related Epidermolysis Bullosa with Pyloric Atresia. Identifiers: Orphanet 158684, MedGen C2677349, MONDO:0012807, OMIM 612138.

Allele frequency attached by ClinVar (database versions not stated): gnomAD 0.00005 and 0.00006; gnomAD exomes 0.00005 and 0.00008; TOPMed 0.00005; ExAC 0.00009; ESP Exome Variant Server 0.00016.
gnomAD v4.1: 81 of 1,607,766 alleles (0.005%); highest among the groups gnomAD compares: East Asian, 0.013%; no homozygotes.

Submissions (3):

PreventionGenetics, part of Exact Sciences
Classification: Likely benign for PLEC-related condition. Last evaluated: 2026-08-27. Review status: criteria provided, single submitter. Criteria: ACMG Guidelines, 2015. Collection method: clinical testing. Allele origin: germline.
Comment: This variant is classified as likely benign based on ACMG/AMP sequence variant interpretation guidelines (Richards et al. 2015 PMID: 25741868, with internal and published modifications).

Labcorp Genetics (formerly Invitae), Labcorp
Classification: Likely benign for Autosomal recessive limb-girdle muscular dystrophy type 2Q; Epidermolysis bullosa simplex, Ogna type; Epidermolysis bullosa simplex with nail dystrophy; Epidermolysis bullosa simplex 5C, with pyloric atresia; Epidermolysis bullosa simplex 5B, with muscular dystrophy. Last evaluated: 2025-10-02. Review status: criteria provided, single submitter. Criteria: Invitae Variant Classification Sherloc (09022015). Collection method: clinical testing. Allele origin: germline.

Blueprint Genetics
Classification: Likely benign. Last evaluated: 2024-07-22. Review status: criteria provided, single submitter. Criteria: ACMG Guidelines, 2015. Collection method: clinical testing. Allele origin: germline.